The following is an entry in ClinVar:

NM_000551.4(VHL):c.340+706T>G

Genes: VHL (von Hippel-Lindau tumor suppressor; plus strand), LOC107303340 (3p25 von Hippel-Lindau tumor suppressor, E3 ubiquitin protein ligase Alu-mediated recombination region; plus strand). Cytogenetic location: 3p25.3.
Variant type: single nucleotide variant.
Coding change: c.340+706T>G on transcript NM_000551.4 (MANE Select); 706 bases into the intron after coding-DNA position 340, T replaced by G.
Molecular consequence: intron variant. On other transcripts: synonymous variant (1).
Genome position (GRCh38, 1-based): chr3:10,142,893, T>G. VCF-style: chr3-10142893-T-G. GRCh37 (hg19) VCF-style: chr3-10184577-T-G.
Other names: c.471T>G, p.Arg157= (NM_001354723.2); c.340+706T>G (NM_198156.3).
Identifiers: ClinVar variation 966150 (VCV000966150.10), dbSNP rs1696161617, ClinGen allele CA1139655740.

ClinVar aggregate classification (germline): Uncertain significance (1 of 4 stars; one submission).

Conditions:
Chuvash polycythemia. Also called: POLYCYTHEMIA, VHL-DEPENDENT. Identifiers: Orphanet 238557, MedGen C1837915, MONDO:0009892, OMIM 263400.
Von Hippel-Lindau syndrome (VHLS). Also called: von Hippel–Lindau syndrome; VHL syndrome; Von Hippel-Lindau. Identifiers: Orphanet 892, MedGen C0019562, MONDO:0008667, OMIM 193300. Disease mechanism: loss of function.

Submission:

Labcorp Genetics (formerly Invitae), Labcorp
Classification: Uncertain significance for Von Hippel-Lindau syndrome; Chuvash polycythemia. Last evaluated: 2025-06-17. Review status: criteria provided, single submitter. Criteria: Invitae Variant Classification Sherloc (09022015). Collection method: clinical testing. Allele origin: germline.
Comment: This sequence change falls in intron 1 of the VHL gene. It is not expected to change the encoded amino acid sequence of the VHL protein. However, this sequence change falls within a cryptic exon in the VHL gene, known as exon E1’, which is naturally expressed at low levels in several human tissues (PMID: 29891534). This variant is not present in population databases (gnomAD no frequency). This variant has not been reported in the literature in individuals affected with VHL-related conditions. ClinVar contains an entry for this variant (Variation ID: 966150). Experimental studies and prediction algorithms are not available or were not evaluated, and the functional significance of this variant is currently unknown. Algorithms developed to predict the effect of sequence changes on RNA splicing suggest that this variant is not likely to affect RNA splicing. In summary, the available evidence is currently insufficient to determine the role of this variant in disease. Therefore, it has been classified as a Variant of Uncertain Significance.

Literature cited by the submitters: PubMed 29891534.